The following is an entry in ClinVar:

ClinVar aggregate classification (germline): Uncertain significance (1 of 4 stars; one submission).

Conditions:
FAT1-related disorder. Also called: FAT1-related condition.

Allele frequency attached by ClinVar (database versions not stated): gnomAD exomes below 0.00001; gnomAD 0.00001; TOPMed 0.00002.
gnomAD v4.1: 3 of 1,613,894 alleles (0.00019%); highest among the groups gnomAD compares: African/African-American, 0.0013%; no homozygotes.

Submission:

PreventionGenetics, part of Exact Sciences
Classification: Uncertain significance for FAT1-related condition. Last evaluated: 2025-05-13. Review status: criteria provided, single submitter. Criteria: ACMG Guidelines, 2015. Collection method: clinical testing. Allele origin: germline.
Comment: The FAT1 c.12487G>A variant is predicted to result in the amino acid substitution p.Glu4163Lys. To our knowledge, this variant has not been reported in the literature or in a large population database (gnomAD), indicating this variant is rare. At this time, the clinical significance of this variant is uncertain due to the absence of conclusive functional and genetic evidence.

NM_005245.4(FAT1):c.12487G>A (p.Glu4163Lys)

Gene: FAT1 (FAT atypical cadherin 1; minus strand). Cytogenetic location: 4q35.2.
Variant type: single nucleotide variant.
Coding change: c.12487G>A on transcript NM_005245.4 (MANE Select); coding-DNA position 12487, G replaced by A.
Protein change: p.Glu4163Lys; replaces glutamic acid 4163 with lysine.
Molecular consequence: missense variant.
Genome position (GRCh38, 1-based): chr4:186,597,053, C>T on the plus strand (G>A on the coding strand, the complement: FAT1 is on the minus strand). VCF-style: chr4-186597053-C-T. GRCh37 (hg19) VCF-style: chr4-187518207-C-T.
Other names: short protein forms E4163K.
Identifiers: ClinVar variation 2629119 (VCV002629119.2), dbSNP rs1738563179, ClinGen allele CA358967309.